The following is an entry in ClinVar:

ClinVar aggregate classification (germline): Uncertain significance (1 of 4 stars; one submission).

Conditions:
Charcot-Marie-Tooth disease axonal type 2S. Also called: CHARCOT-MARIE-TOOTH DISEASE, AXONAL, AUTOSOMAL RECESSIVE, TYPE 2S; CHARCOT-MARIE-TOOTH NEUROPATHY, TYPE 2S. Identifiers: Orphanet 443073, MedGen C4015349, MONDO:0014511, OMIM 616155.
Autosomal recessive distal spinal muscular atrophy 1. Also called: SEVERE INFANTILE AXONAL NEUROPATHY WITH RESPIRATORY FAILURE; SPINAL MUSCULAR ATROPHY, DIAPHRAGMATIC; Spinal muscular atrophy with respiratory distress 1; HMN VI; NEURONOPATHY, SEVERE INFANTILE AXONAL, WITH RESPIRATORY FAILURE; NEURONOPATHY, DISTAL HEREDITARY MOTOR, HARDING TYPE VI. Identifiers: Orphanet 98920, MedGen C1858517, MONDO:0011436, OMIM 604320.

Allele frequency attached by ClinVar (database versions not stated): gnomAD 0.00002; TOPMed 0.00002.
gnomAD v4.1: 56 of 1,613,328 alleles (0.0035%); highest among the groups gnomAD compares: South Asian, 0.0055%; no homozygotes.

Submission:

Labcorp Genetics (formerly Invitae), Labcorp
Classification: Uncertain significance for Autosomal recessive distal spinal muscular atrophy 1; Charcot-Marie-Tooth disease axonal type 2S. Last evaluated: 2022-03-13. Review status: criteria provided, single submitter. Criteria: Invitae Variant Classification Sherloc (09022015). Collection method: clinical testing. Allele origin: germline.
Comment: This sequence change falls in intron 6 of the IGHMBP2 gene. It does not directly change the encoded amino acid sequence of the IGHMBP2 protein. It affects a nucleotide within the consensus splice site. This variant is present in population databases (rs758392980, gnomAD 0.01%). This variant has not been reported in the literature in individuals affected with IGHMBP2-related conditions. Variants that disrupt the consensus splice site are a relatively common cause of aberrant splicing (PMID: 17576681, 9536098). Algorithms developed to predict the effect of sequence changes on RNA splicing suggest that this variant is not likely to affect RNA splicing. In summary, the available evidence is currently insufficient to determine the role of this variant in disease. Therefore, it has been classified as a Variant of Uncertain Significance.

Literature cited by the submitters: PubMed 17576681; PubMed 9536098.

NM_002180.3(IGHMBP2):c.912+4G>C

Gene: IGHMBP2 (immunoglobulin mu DNA binding protein 2; plus strand). Cytogenetic location: 11q13.3.
Variant type: single nucleotide variant.
Coding change: c.912+4G>C on transcript NM_002180.3 (MANE Select); 4 bases into the intron after coding-DNA position 912, G replaced by C.
Molecular consequence: intron variant.
Genome position (GRCh38, 1-based): chr11:68,915,027, G>C. VCF-style: chr11-68915027-G-C. GRCh37 (hg19) VCF-style: chr11-68682495-G-C.
Identifiers: ClinVar variation 2053410 (VCV002053410.1), dbSNP rs758392980, ClinGen allele CA6153435.